The following is an entry in ClinVar:

NM_005477.3(HCN4):c.1209+3A>G

Genes: HCN4 (hyperpolarization activated cyclic nucleotide gated potassium channel 4; minus strand), LOC105370890 (uncharacterized LOC105370890; plus strand). Cytogenetic location: 15q24.1.
Variant type: single nucleotide variant.
Coding change: c.1209+3A>G on transcript NM_005477.3 (MANE Select); 3 bases into the intron after coding-DNA position 1209, A replaced by G.
Molecular consequence: intron variant.
Genome position (GRCh38, 1-based): chr15:73,343,382, T>C on the plus strand (A>G on the coding strand, the complement: HCN4 is on the minus strand). VCF-style: chr15-73343382-T-C. GRCh37 (hg19) VCF-style: chr15-73635723-T-C.
Other names: c.1209+3A>G (NM_005477.2).
Identifiers: ClinVar variation 2137100 (VCV002137100.5), dbSNP rs2151221139, ClinGen allele CA2575784011.

ClinVar aggregate classification (germline): Uncertain significance. Review status: criteria provided, multiple submitters, no conflicts (2 of 4 stars). 2 submissions from 2 submitters: Uncertain significance (2). Last evaluated 2026-01-30.

Conditions:
Brugada syndrome 8 (BRGDA8). Identifiers: Orphanet 130, MedGen C2751083, MONDO:0013148, OMIM 613123.
Cardiovascular phenotype. Identifiers: MedGen CN230736.

Allele frequency attached by ClinVar (database versions not stated): gnomAD exomes below 0.00001.
gnomAD v4.1: 2 of 1,613,946 alleles (0.00012%); highest among the groups gnomAD compares: Non-Finnish European, 0.00017%; no homozygotes.

Submissions (2):

Ambry Genetics
Classification: Uncertain significance for Cardiovascular phenotype. Last evaluated: 2026-01-30. Review status: criteria provided, single submitter. Criteria: Ambry Variant Classification Scheme 2023. Collection method: clinical testing. Allele origin: germline.
Comment: The c.1209+3A>G intronic variant results from an A to G substitution 3 nucleotides after coding exon 2 in the HCN4 gene. This nucleotide position is poorly conserved in available vertebrate species. In silico splice site analysis predicts that this alteration will not have any significant effect on splicing. Based on the available evidence, the clinical significance of this variant remains unclear.

Labcorp Genetics (formerly Invitae), Labcorp
Classification: Uncertain significance for Brugada syndrome 8. Last evaluated: 2022-08-23. Review status: criteria provided, single submitter. Criteria: Invitae Variant Classification Sherloc (09022015). Collection method: clinical testing. Allele origin: germline.
Comment: In summary, the available evidence is currently insufficient to determine the role of this variant in disease. Therefore, it has been classified as a Variant of Uncertain Significance. Variants that disrupt the consensus splice site are a relatively common cause of aberrant splicing (PMID: 17576681, 9536098). Algorithms developed to predict the effect of sequence changes on RNA splicing suggest that this variant is not likely to affect RNA splicing. This variant has not been reported in the literature in individuals affected with HCN4-related conditions. This variant is not present in population databases (gnomAD no frequency). This sequence change falls in intron 2 of the HCN4 gene. It does not directly change the encoded amino acid sequence of the HCN4 protein. It affects a nucleotide within the consensus splice site.

Literature cited by the submitters: PubMed 17576681 (cited by Labcorp Genetics (formerly Invitae), Labcorp); PubMed 9536098 (cited by Labcorp Genetics (formerly Invitae), Labcorp).